The following is an entry in ClinVar:

ClinVar aggregate classification (germline): Pathogenic (1 of 4 stars; one submission).

gnomAD v4.1: 1 of 1,599,460 alleles (0.000063%); highest among the groups gnomAD compares: South Asian, 0.0011%; no homozygotes.

Submission:

Labcorp Genetics (formerly Invitae), Labcorp
Classification: Pathogenic. Last evaluated: 2023-10-20. Review status: criteria provided, single submitter. Criteria: Invitae Variant Classification Sherloc (09022015). Collection method: clinical testing. Allele origin: germline.
Comment: This sequence change creates a premature translational stop signal (p.Glu411*) in the FMO3 gene. While this is not anticipated to result in nonsense mediated decay, it is expected to disrupt the last 122 amino acid(s) of the FMO3 protein. This variant is not present in population databases (gnomAD no frequency). This variant has not been reported in the literature in individuals affected with FMO3-related conditions. This variant disrupts a region of the FMO3 protein in which other variant(s) (p.Arg500*) have been determined to be pathogenic (PMID: 16858129, 16996766). This suggests that this is a clinically significant region of the protein, and that variants that disrupt it are likely to be disease-causing. For these reasons, this variant has been classified as Pathogenic.

Literature cited by the submitters: PubMed 16858129; PubMed 16996766.

NM_001002294.3(FMO3):c.1231G>T (p.Glu411Ter)

Gene: FMO3 (flavin containing dimethylaniline monoxygenase 3; plus strand). Cytogenetic location: 1q24.3.
Variant type: single nucleotide variant.
Coding change: c.1231G>T on transcript NM_001002294.3 (MANE Select); coding-DNA position 1231, G replaced by T.
Protein change: p.Glu411Ter; replaces glutamic acid 411 with a stop codon.
Molecular consequence: nonsense.
Genome position (GRCh38, 1-based): chr1:171,116,255, G>T. VCF-style: chr1-171116255-G-T. GRCh37 (hg19) VCF-style: chr1-171085395-G-T.
Other names: c.1231G>T, p.Glu411Ter (NM_006894.6); c.1171G>T, p.Glu391Ter (NM_001319173.2); c.1042G>T, p.Glu348Ter (NM_001319174.2); short protein forms E391*, E348*, E411*.
Identifiers: ClinVar variation 2770296 (VCV002770296.3), dbSNP rs1464657042, ClinGen allele CA343168749.